The following is an entry in ClinVar:

ClinVar aggregate classification (germline): Uncertain significance (1 of 4 stars; one submission).

gnomAD v4.1: 3 of 1,613,422 alleles (0.00019%); highest among the groups gnomAD compares: Non-Finnish European, 0.00025%; no homozygotes.

Submission:

CeGaT Center for Human Genetics Tuebingen
Classification: Uncertain significance. Last evaluated: 2024-09-01. Review status: criteria provided, single submitter. Criteria: CeGaT Center For Human Genetics Tuebingen Variant Classification Criteria Version 2. Collection method: clinical testing. Allele origin: germline. Affected: yes. Observed: 1 variant allele.
Comment: NPHS1: PM2, PM3:Supporting, PP3

NM_004646.4(NPHS1):c.325T>A (p.Tyr109Asn)

Gene: NPHS1 (NPHS1 adhesion molecule, nephrin; minus strand). Cytogenetic location: 19q13.12.
Variant type: single nucleotide variant.
Coding change: c.325T>A on transcript NM_004646.4 (MANE Select); coding-DNA position 325, T replaced by A.
Protein change: p.Tyr109Asn; replaces tyrosine 109 with asparagine.
Molecular consequence: missense variant.
Genome position (GRCh38, 1-based): chr19:35,851,334, A>T on the plus strand (T>A on the coding strand, the complement: NPHS1 is on the minus strand). VCF-style: chr19-35851334-A-T. GRCh37 (hg19) VCF-style: chr19-36342236-A-T.
Other names: short protein forms Y109N.
Identifiers: ClinVar variation 3389701 (VCV003389701.14).